The following is an entry in ClinVar:

ClinVar aggregate classification (germline): Benign. Review status: criteria provided, multiple submitters, no conflicts (2 of 4 stars). 2 submissions from 2 submitters: Benign (2). Last evaluated 2026-02-04.

Conditions:
Combined immunodeficiency due to CTPS1 deficiency. Also called: Immunodeficiency 24; Severe combined immunodeficiency due to CTPS1 deficiency. Identifiers: Orphanet 420573, MedGen C4014617, MONDO:0014391, OMIM 615897.

Allele frequency attached by ClinVar (database versions not stated): ESP Exome Variant Server 0.06701; gnomAD 0.07392 and 0.07729; TOPMed 0.07677; 1000 Genomes Project 30x 0.08838; 1000 Genomes Project 0.09085; gnomAD exomes 0.10102; ExAC 0.10192.

Submissions (2):

Labcorp Genetics (formerly Invitae), Labcorp
Classification: Benign for Combined immunodeficiency due to CTPS1 deficiency. Last evaluated: 2026-02-04. Review status: criteria provided, single submitter. Criteria: Invitae Variant Classification Sherloc (09022015). Collection method: clinical testing. Allele origin: germline.

Unidad de Genómica Garrahan, Hospital de Pediatría Garrahan
Classification: Benign. Last evaluated: 2023-11-12. Review status: criteria provided, single submitter. Criteria: ACMG Guidelines, 2015. Collection method: clinical testing. Allele origin: germline. Affected: no. Observed: 24 variant alleles.
Comment: This variant is classified as Benign based on local population frequency. This variant was detected in 25% of patients studied by a panel of primary immunodeficiencies. Number of patients: 24. Only high quality variants are reported.

NM_001905.4(CTPS1):c.1006-19_1006-18del

Gene: CTPS1 (CTP synthase 1; plus strand). Cytogenetic location: 1p34.2.
Variant type: Deletion.
Coding change: c.1006-19_1006-18del on transcript NM_001905.4 (MANE Select); 19 bases into the intron before coding-DNA position 1006 through 18 bases into the intron before coding-DNA position 1006, 2 bases deleted (CT; older notation c.1006-19_1006-18delCT).
Molecular consequence: intron variant.
Genome position (GRCh38, 1-based): chr1:41,001,010-41,001,011, CT deleted. VCF-style (leftmost placement, unchanged base first): chr1-41001009-CCT-C. GRCh37 (hg19) VCF-style: chr1-41466681-CCT-C.
Other names: c.538-19_538-18del (NM_001301237.2).
Identifiers: ClinVar variation 1166833 (VCV001166833.11), dbSNP rs140062309, ClinGen allele CA795403.